The following is an entry in ClinVar:

Conditions:
Breast-ovarian cancer, familial, susceptibility to, 1 (BROVCA1). Also called: BRCA1 Hereditary Breast and Ovarian Cancer; OVARIAN CANCER, SUSCEPTIBILITY TO. Identifiers: Orphanet 145, MedGen C2676676, MONDO:0011450, OMIM 604370. Disease mechanism: loss of function.

Submission:

Brotman Baty Institute, University of Washington
No classification provided (evidence only). Condition: Breast-ovarian cancer, familial 1. Review status: no classification provided. Collection method: in vitro. Allele origin: not applicable. Functional consequence: functionally_normal.
ClinVar note: "not provided" was previously submitted as the classification for the variant. However, the classification appeared to be based only on an observation of functional data so it was converted to no classification on 2025-07-30.

NM_007294.4(BRCA1):c.7T>C (p.Leu3=)

Gene: BRCA1 (BRCA1 DNA repair associated; minus strand). Cytogenetic location: 17q21.31.
Variant type: single nucleotide variant.
Coding change: c.7T>C on transcript NM_007294.4 (MANE Select); coding-DNA position 7, T replaced by C.
Protein change: p.Leu3=; no amino-acid change (leucine 3 retained).
Molecular consequence: synonymous variant. On other transcripts: 5 prime UTR variant (136), intron variant (36).
Genome position (GRCh38, 1-based): chr17:43,124,090, A>G on the plus strand (T>C on the coding strand, the complement: BRCA1 is on the minus strand). VCF-style: chr17-43124090-A-G. GRCh37 (hg19) VCF-style: chr17-41276107-A-G.
Other names: c.-182T>C (NM_001407571.1, NM_001407853.1, NM_001407879.1 and 46 more transcripts); c.7T>C, p.Leu3= (NM_001407581.1, NM_001407582.1, NM_001407583.1 and 193 more transcripts); c.-251T>C (NM_001407694.1, NM_001407724.1, NM_001407727.1 and 11 more transcripts); c.-255T>C (NM_001407695.1, NM_001408465.1); c.-396T>C (NM_001407696.1); c.-280T>C (NM_001407697.1, NM_001407846.1, NM_001407920.1); c.-81T>C (NM_001407698.1, NM_001407732.1, NM_001407736.1 and 23 more transcripts); c.-254T>C (NM_001407725.1, NM_001407730.1, NM_001407734.1 and 22 more transcripts); and 23 more.
Identifiers: ClinVar variation 869063 (VCV000869063.3), dbSNP rs2055745032, ClinGen allele CA500131493.